The following is an entry in ClinVar:

ClinVar aggregate classification (germline): Pathogenic (1 of 4 stars; one submission).

Conditions:
Cardiovascular phenotype. Identifiers: MedGen CN230736.

Submission:

Ambry Genetics
Classification: Pathogenic for Cardiovascular phenotype. Last evaluated: 2026-09-01. Review status: criteria provided, single submitter. Criteria: Ambry Variant Classification Scheme 2023. Collection method: clinical testing. Allele origin: germline.
Comment: The c.1074delG pathogenic mutation, located in coding exon 6 of the LMNA gene, results from a deletion of one nucleotide at nucleotide position 1074, causing a translational frameshift with a predicted alternate stop codon (p.E358Dfs*122). This variant is considered to be rare based on population cohorts in the Genome Aggregation Database (gnomAD). This alteration is expected to result in loss of function by premature protein truncation or nonsense-mediated mRNA decay. As such, this alteration is interpreted as a disease-causing mutation.

NM_170707.4(LMNA):c.1074del (p.Glu358fs)

Gene: LMNA (lamin A/C; plus strand). Cytogenetic location: 1q22.
Variant type: Deletion.
Coding change: c.1074del on transcript NM_170707.4 (MANE Select); coding-DNA position 1074, one base deleted (G; older notation c.1074delG).
Protein change: p.Glu358fs; shifts the reading frame from glutamic acid 358.
Molecular consequence: frameshift variant.
Genome position (GRCh38, 1-based): chr1:156,136,038, G deleted. VCF-style (leftmost placement, unchanged base first): chr1-156136037-AG-A. GRCh37 (hg19) VCF-style: chr1-156105828-AG-A.
Other names: c.516del, p.Glu172fs (NM_001407003.1, NM_001406990.1, NM_001406993.1 and 4 more transcripts); c.1074del, p.Glu358fs (NM_005572.4, NM_170708.4, NM_001282625.2 and 6 more transcripts); c.738del, p.Glu246fs (NM_001257374.3, NM_001406989.1, NM_001406998.1); c.831del, p.Glu277fs (NM_001282624.2, NM_001406986.1, NM_001406987.1); c.777del, p.Glu259fs (NM_001406988.1); c.450del, p.Glu150fs (NM_001406994.1, NM_001406999.1, NM_001407000.1 and 1 more transcripts); short protein forms E277fs, E246fs, E259fs, E150fs, E172fs, E358fs.
Identifiers: ClinVar variation 5023617 (VCV005023617.1).